The following is an entry in ClinVar:

ClinVar aggregate classification (germline): Uncertain significance (0 of 4 stars; one submission).

Conditions:
KLF4-related disorder. Also called: KLF4-related condition.

Submission:

PreventionGenetics, part of Exact Sciences
Classification: Uncertain significance for KLF4-related condition. Last evaluated: 2024-01-26. Review status: no assertion criteria provided. Collection method: clinical testing. Allele origin: germline.
Comment: The KLF4 c.1291A>T variant is predicted to result in the amino acid substitution p.Thr431Ser. To our knowledge, this variant has not been reported in the literature or in a large population database, indicating this variant is rare. At this time, the clinical significance of this variant is uncertain due to the absence of conclusive functional and genetic evidence.

NM_004235.6(KLF4):c.1189A>T (p.Thr397Ser)

Gene: KLF4 (KLF transcription factor 4; minus strand). Cytogenetic location: 9q31.2.
Variant type: single nucleotide variant.
Coding change: c.1189A>T on transcript NM_004235.6 (MANE Select); coding-DNA position 1189, A replaced by T.
Protein change: p.Thr397Ser; replaces threonine 397 with serine.
Molecular consequence: missense variant.
Genome position (GRCh38, 1-based): chr9:107,487,103, T>A on the plus strand (A>T on the coding strand, the complement: KLF4 is on the minus strand). VCF-style: chr9-107487103-T-A. GRCh37 (hg19) VCF-style: chr9-110249384-T-A.
Other names: c.1291A>T, p.Thr431Ser (NM_001314052.2); short protein forms T397S, T431S.
Identifiers: ClinVar variation 3032670 (VCV003032670.2), dbSNP rs2133187441, ClinGen allele CA374392045.